The following is an entry in ClinVar:

ClinVar aggregate classification (germline): Uncertain significance. Review status: criteria provided, multiple submitters, no conflicts (2 of 4 stars). 5 submissions from 5 submitters: Uncertain significance (5). Last evaluated 2025-02-14.

Conditions:
Hemolytic uremic syndrome, atypical, susceptibility to, 1. Also called: AHUS, SUSCEPTIBILITY TO, 1. Identifiers: Orphanet 2134, Orphanet 90038, MedGen C2749604, MONDO:0009335, OMIM 235400. Disease mechanism: Other.
Factor H deficiency (CFHD). Also called: CFH DEFICIENCY; COMPLEMENT FACTOR H DEFICIENCY. Identifiers: Orphanet 200421, MedGen C0398777, MONDO:0012350, OMIM 609814.
Basal laminar drusen. Also called: DRUSEN OF BRUCH MEMBRANE; DRUSEN, CUTICULAR; DRUSEN, EARLY ADULT-ONSET, GROUPED. Identifiers: Orphanet 75376, MedGen C0730295, MONDO:0007472, OMIM 126700.
Age related macular degeneration 4. Identifiers: MedGen C1853147, MONDO:0012540, OMIM 610698.
Inborn genetic diseases. Identifiers: MedGen C0950123, MeSH D030342.

Allele frequency attached by ClinVar (database versions not stated): gnomAD exomes below 0.00001 and 0.00001; ExAC 0.00001; gnomAD 0.00003 and 0.00004; TOPMed 0.00004.

Submissions (5):

Ambry Genetics
Classification: Uncertain significance for Inborn genetic diseases. Last evaluated: 2025-02-14. Review status: criteria provided, single submitter. Criteria: Ambry Variant Classification Scheme 2023. Collection method: clinical testing. Allele origin: germline.

Fulgent Genetics
Classification: Uncertain significance for Basal laminar drusen; Hemolytic uremic syndrome, atypical, susceptibility to, 1; Factor H deficiency; Age related macular degeneration 4. Last evaluated: 2024-06-03. Review status: criteria provided, single submitter. Criteria: ACMG Guidelines, 2015. Collection method: clinical testing. Allele origin: germline.

Labcorp Genetics (formerly Invitae), Labcorp
Classification: Uncertain significance. Last evaluated: 2023-11-13. Review status: criteria provided, single submitter. Criteria: Invitae Variant Classification Sherloc (09022015). Collection method: clinical testing. Allele origin: germline.
Comment: This sequence change replaces arginine, which is basic and polar, with cysteine, which is neutral and slightly polar, at codon 257 of the CFH protein (p.Arg257Cys). This variant is present in population databases (rs776887716, gnomAD 0.01%). This variant has not been reported in the literature in individuals affected with CFH-related conditions. ClinVar contains an entry for this variant (Variation ID: 1162888). An algorithm developed to predict the effect of missense changes on protein structure and function (PolyPhen-2) suggests that this variant is likely to be disruptive. In summary, the available evidence is currently insufficient to determine the role of this variant in disease. Therefore, it has been classified as a Variant of Uncertain Significance.

Mayo Clinic Laboratories, Mayo Clinic
Classification: Uncertain significance. Last evaluated: 2021-05-13. Review status: criteria provided, single submitter. Criteria: ACMG Guidelines, 2015. Collection method: clinical testing. Allele origin: germline.

Blueprint Genetics
Classification: Uncertain significance. Last evaluated: 2021-03-10. Review status: criteria provided, single submitter. Criteria: ACMG Guidelines, 2015. Collection method: clinical testing. Allele origin: germline.

NM_000186.4(CFH):c.769C>T (p.Arg257Cys)

Gene: CFH (complement factor H; plus strand). Cytogenetic location: 1q31.3.
Variant type: single nucleotide variant.
Coding change: c.769C>T on transcript NM_000186.4 (MANE Select); coding-DNA position 769, C replaced by T.
Protein change: p.Arg257Cys; replaces arginine 257 with cysteine.
Molecular consequence: missense variant.
Genome position (GRCh38, 1-based): chr1:196,679,772, C>T. VCF-style: chr1-196679772-C-T. GRCh37 (hg19) VCF-style: chr1-196648902-C-T.
Other names: c.769C>T, p.Arg257Cys (NM_001014975.3); short protein forms R257C.
Identifiers: ClinVar variation 1162888 (VCV001162888.12), dbSNP rs776887716, ClinGen allele CA1305140.